The following is an entry in ClinVar:

ClinVar aggregate classification (germline): Benign (1 of 4 stars; one submission).

Allele frequency attached by ClinVar (database versions not stated): 1000 Genomes Project 0.03774; 1000 Genomes Project 30x 0.03935; gnomAD 0.05125 and 0.05247; TOPMed 0.05417.
gnomAD v4.1: 7,787 of 152,158 alleles (5.1%); highest among the groups gnomAD compares: Non-Finnish European, 6%; 203 homozygotes.

Submission:

GeneDx
Classification: Benign. Last evaluated: 2018-06-14. Review status: criteria provided, single submitter. Criteria: GeneDx Variant Classification (06012015). Collection method: clinical testing. Allele origin: germline. Affected: yes.
Comment: This variant is considered likely benign or benign based on one or more of the following criteria: it is a conservative change, it occurs at a poorly conserved position in the protein, it is predicted to be benign by multiple in silico algorithms, and/or has population frequency not consistent with disease.

NM_002474.3(MYH11):c.790+167T>C

Gene: MYH11 (myosin heavy chain 11; minus strand). Cytogenetic location: 16p13.11.
Variant type: single nucleotide variant.
Coding change: c.790+167T>C on transcript NM_002474.3 (MANE Select); 167 bases into the intron after coding-DNA position 790, T replaced by C.
Molecular consequence: intron variant.
Genome position (GRCh38, 1-based): chr16:15,778,613, A>G on the plus strand (T>C on the coding strand, the complement: MYH11 is on the minus strand). VCF-style: chr16-15778613-A-G. GRCh37 (hg19) VCF-style: chr16-15872470-A-G.
Other names: c.790+167T>C (NM_022844.3); c.811+167T>C (NM_001040114.2, NM_001040113.2).
Identifiers: ClinVar variation 673137 (VCV000673137.1), dbSNP rs62030561, ClinGen allele CA278596323.